The following is an entry in ClinVar:

NM_031418.4(ANO3):c.374G>A (p.Arg125His)

Gene: ANO3 (anoctamin 3; plus strand). Cytogenetic location: 11p14.2.
Variant type: single nucleotide variant.
Coding change: c.374G>A on transcript NM_031418.4 (MANE Select); coding-DNA position 374, G replaced by A.
Protein change: p.Arg125His; replaces arginine 125 with histidine.
Molecular consequence: missense variant.
Genome position (GRCh38, 1-based): chr11:26,463,090, G>A. VCF-style: chr11-26463090-G-A. GRCh37 (hg19) VCF-style: chr11-26484637-G-A.
Other names: c.557G>A, p.Arg186His (NM_001313726.2); c.374G>A (NM_031418.2); short protein forms R125H, R186H.
Identifiers: ClinVar variation 2628661 (VCV002628661.3), dbSNP rs996483030, ClinGen allele CA380066743.

ClinVar aggregate classification (germline): Uncertain significance. Review status: criteria provided, multiple submitters, no conflicts (2 of 4 stars). 3 submissions from 3 submitters: Uncertain significance (3). Last evaluated 2025-07-15.

Conditions:
Inborn genetic diseases. Identifiers: MedGen C0950123, MeSH D030342.
Dystonic disorder. Also called: Dystonia. Identifiers: MedGen C0013421, MONDO:0003441, HP:0001332.
ANO3-related disorder. Also called: ANO3-related condition.

gnomAD v4.1: 26 of 1,597,044 alleles (0.0016%); highest among the groups gnomAD compares: South Asian, 0.02%; no homozygotes.

Submissions (3):

Labcorp Genetics (formerly Invitae), Labcorp
Classification: Uncertain significance for Dystonic disorder. Last evaluated: 2025-07-15. Review status: criteria provided, single submitter. Criteria: Invitae Variant Classification Sherloc (09022015). Collection method: clinical testing. Allele origin: germline.
Comment: This sequence change replaces arginine, which is basic and polar, with histidine, which is basic and polar, at codon 125 of the ANO3 protein (p.Arg125His). This variant is present in population databases (no rsID available, gnomAD 0.01%). This variant has not been reported in the literature in individuals affected with ANO3-related conditions. ClinVar contains an entry for this variant (Variation ID: 2628661). Invitae Evidence Modeling of protein sequence and biophysical properties (such as structural, functional, and spatial information, amino acid conservation, physicochemical variation, residue mobility, and thermodynamic stability) indicates that this missense variant is not expected to disrupt ANO3 protein function with a negative predictive value of 95%. In summary, the available evidence is currently insufficient to determine the role of this variant in disease. Therefore, it has been classified as a Variant of Uncertain Significance.

Ambry Genetics
Classification: Uncertain significance for Inborn genetic diseases. Last evaluated: 2023-12-21. Review status: criteria provided, single submitter. Criteria: Ambry Variant Classification Scheme 2023. Collection method: clinical testing. Allele origin: germline.

PreventionGenetics, part of Exact Sciences
Classification: Uncertain significance for ANO3-related condition. Last evaluated: 2023-09-26. Review status: criteria provided, single submitter. Criteria: ACMG Guidelines, 2015. Collection method: clinical testing. Allele origin: germline.
Comment: The ANO3 c.374G>A variant is predicted to result in the amino acid substitution p.Arg125His. To our knowledge, this variant has not been reported in the literature. This variant is reported in 0.014% of alleles in individuals of South Asian descent in gnomAD. Although we suspect that this variant may be benign, at this time, the clinical significance of this variant is uncertain due to the absence of conclusive functional and genetic evidence.